The following is an entry in ClinVar:

NM_000057.4(BLM):c.543C>T (p.Ser181=)

Gene: BLM (BLM RecQ like helicase; plus strand). Cytogenetic location: 15q26.1.
Variant type: single nucleotide variant.
Coding change: c.543C>T on transcript NM_000057.4 (MANE Select); coding-DNA position 543, C replaced by T.
Protein change: p.Ser181=; no amino-acid change (serine 181 retained).
Molecular consequence: synonymous variant. On other transcripts: 5 prime UTR variant (1).
Genome position (GRCh38, 1-based): chr15:90,749,811, C>T. VCF-style: chr15-90749811-C-T. GRCh37 (hg19) VCF-style: chr15-91293041-C-T.
Other names: c.543C>T (LRG_20t1); c.543C>T, p.Ser181= (NM_001287246.2, NM_001287247.2); c.-749C>T (NM_001287248.2).
Identifiers: ClinVar variation 413299 (VCV000413299.17), dbSNP rs761288442, ClinGen allele CA7738308.

ClinVar aggregate classification (germline): Conflicting classifications of pathogenicity. Review status: criteria provided, conflicting classifications (1 of 4 stars). 3 submissions from 3 submitters: Uncertain significance (1); Likely benign (2). Last evaluated 2026-01-20.

Conditions:
Bloom syndrome (BLM). Also called: Bloom-Torre-Machacek syndrome. Identifiers: Orphanet 125, MedGen C0005859, MONDO:0008876, OMIM 210900.
Hereditary cancer-predisposing syndrome. Also called: Neoplastic Syndromes, Hereditary; Tumor predisposition; Hereditary Cancer Syndrome; Hereditary neoplastic syndrome. Identifiers: Orphanet 140162, MedGen C0027672, MeSH D009386, MONDO:0015356.

Allele frequency attached by ClinVar (database versions not stated): TOPMed 0.00002.
gnomAD v4.1: 49 of 1,602,582 alleles (0.0031%); highest among the groups gnomAD compares: Non-Finnish European, 0.0041%; no homozygotes.

Submissions (3):

Labcorp Genetics (formerly Invitae), Labcorp
Classification: Likely benign for Bloom syndrome. Last evaluated: 2026-01-20. Review status: criteria provided, single submitter. Criteria: Invitae Variant Classification Sherloc (09022015). Collection method: clinical testing. Allele origin: germline.

Quest Diagnostics Nichols Institute San Juan Capistrano
Classification: Uncertain significance. Last evaluated: 2025-01-16. Review status: criteria provided, single submitter. Criteria: Quest Diagnostics criteria. Collection method: clinical testing. Allele origin: unknown.
Comment: The BLM c.543C>T (p.Ser181=) synonymous variant has not been reported in individuals with BLM-related conditions in the published literature. The frequency of this variant in the general population (Genome Aggregation Database) is uninformative in the assessment of its pathogenicity. Analysis of this variant using software algorithms for the prediction of the effect of nucleotide changes on splicing yielded predictions that this variant does not affect BLM mRNA splicing. Based on the available information, we are unable to determine the clinical significance of this variant.

Ambry Genetics
Classification: Likely benign for Hereditary cancer-predisposing syndrome. Last evaluated: 2017-01-18. Review status: criteria provided, single submitter. Criteria: Ambry Variant Classification Scheme 2023. Collection method: clinical testing. Allele origin: germline.